The following is an entry in ClinVar:

NM_001354435.2(C4orf54):c.2623G>C (p.Glu875Gln)

Gene: C4orf54 (chromosome 4 open reading frame 54; minus strand). Cytogenetic location: 4q23.
Variant type: single nucleotide variant.
Coding change: c.2623G>C on transcript NM_001354435.2 (MANE Select); coding-DNA position 2623, G replaced by C.
Protein change: p.Glu875Gln; replaces glutamic acid 875 with glutamine.
Molecular consequence: missense variant.
Genome position (GRCh38, 1-based): chr4:99,652,026, C>G on the plus strand (G>C on the coding strand, the complement: C4orf54 is on the minus strand). VCF-style: chr4-99652026-C-G. GRCh37 (hg19) VCF-style: chr4-100573183-C-G.
Other names: short protein forms E875Q.
Identifiers: ClinVar variation 2654972 (VCV002654972.24), dbSNP rs17600994, ClinGen allele CA3022617.
Genomic context (GRCh38, chr4:99,652,026, plus strand): 5'-ATTTGGAGCCCGCCACGGACCCCTCCCCGCCCGCGTCGGACATGCTGACCACTGTGTACT[C>G]GGAGCCGGCCTCGGAGTGACGAGAGCTCTGCCTCTGCAGGCCCCTCTCTCGCTGCCTCTC-3'
Protein context (NP_001341364.1, residues 865-885): QSSRHSEAGS[Glu875Gln]YTVVSMSDAG

ClinVar aggregate classification (germline): Benign (1 of 4 stars; one submission).

Allele frequency attached by ClinVar (database versions not stated): 1000 Genomes Project 30x 0.00562; 1000 Genomes Project 0.00619; TOPMed 0.00832; ExAC 0.00861.
gnomAD v4.1: 18,867 of 1,536,122 alleles (1.2%); highest among the groups gnomAD compares: Non-Finnish European, 1.3%; 152 homozygotes.

Submission:

CeGaT Center for Human Genetics Tuebingen
Classification: Benign. Last evaluated: 2023-02-01. Review status: criteria provided, single submitter. Criteria: CeGaT Center For Human Genetics Tuebingen Variant Classification Criteria Version 2. Collection method: clinical testing. Allele origin: germline. Affected: yes. Observed: 1 variant allele.
Comment: C4orf54: BP4, BS1, BS2